The following is an entry in ClinVar:

ClinVar aggregate classification (germline): Likely pathogenic (1 of 4 stars; one submission).

Conditions:
DYRK1A-related intellectual disability syndrome (MRD7). Also called: Intellectual developmental disorder, autosomal dominant 7; DYRK1A Syndrome. Identifiers: Orphanet 464306, MedGen C5568143, MONDO:0013578, OMIM 614104.

Submission:

Labcorp Genetics (formerly Invitae), Labcorp
Classification: Likely pathogenic for DYRK1A-related intellectual disability syndrome. Last evaluated: 2019-04-25. Review status: criteria provided, single submitter. Criteria: Invitae Variant Classification Sherloc (09022015). Collection method: clinical testing. Allele origin: germline.
Comment: This variant disrupts the p.Ser346 amino acid residue in DYRK1A. Other variant(s) that disrupt this residue have been determined to be pathogenic (PMID: 28053047, 25920557). This suggests that this residue is clinically significant, and that variants that disrupt this residue are likely to be disease-causing. This variant has not been reported in the literature in individuals with DYRK1A-related conditions. This variant is an in-frame deletion of the genomic region encompassing exon 7 of the DYRK1A gene. It preserves the integrity of the reading frame. In summary, the currently available evidence indicates that the variant is pathogenic, but additional data are needed to prove that conclusively. Therefore, this variant has been classified as Likely Pathogenic.

Literature cited by the submitters: PubMed 28053047; PubMed 25920557.

NC_000021.9:g.(?_37492997)_(37493183_?)del

Gene: DYRK1A (dual specificity tyrosine phosphorylation regulated kinase 1A; plus strand). Cytogenetic location: 21q22.13.
Variant type: Deletion.
Identifiers: ClinVar variation 831145 (VCV000831145.8).